The following is an entry in ClinVar:

GRCh38/hg38 22q11.21(chr22:18887235-21544734)x3

Genes: MED15 (mediator complex subunit 15; plus strand), MIR1286 (microRNA 1286; minus strand), MIR1306 (microRNA 1306; plus strand), MIR185 (microRNA 185; plus strand), MIR3618 (microRNA 3618; plus strand) and 185 more. Cytogenetic location: 22q11.21.
Variant type: copy number gain.
Change: copy number 3 (three copies instead of two) of chr22:18,887,235-21,544,734 (2.66 Mb, GRCh38 coordinates, 1-based), cytogenetic band 22q11.21.
Identifiers: ClinVar variation 4888348 (VCV004888348.1).

ClinVar aggregate classification (germline): Pathogenic (1 of 4 stars; one submission).

Conditions:
22q11.2 duplication syndrome.

Submission:

New York Genome Center
Classification: Pathogenic for 22q11.2 duplication syndrome. Last evaluated: 2023-08-11. Review status: criteria provided, single submitter. Criteria: NYGC Assertion Criteria 2020. Collection method: clinical testing. Allele origin: inherited. Affected: yes. Observed: 1 variant allele.
Comment: An approximately 2.65 Mb duplication was identified on the long arm of chromosome 22 (22q11.21) in this sample. The duplicated region contains 50 protein coding genes including TBX1, and completely overlaps with the 22q11.2 recurrent duplication syndrome that has been curated to havetriplosensitivity effect by ClinGen. Based on available evidence this ~2.65 Mb duplication at 22q11.21 identified in this sample is classified here as Pathogenic.